The following is an entry in ClinVar:

ClinVar aggregate classification (germline): Uncertain significance. Review status: criteria provided, multiple submitters, no conflicts (2 of 4 stars). 2 submissions from 2 submitters: Uncertain significance (2). Last evaluated 2025-08-21.

Conditions:
Candidiasis, familial, 8 (CANDF8). Identifiers: Orphanet 1334, MedGen C3714992, MONDO:0014230, OMIM 615527.

Allele frequency attached by ClinVar (database versions not stated): gnomAD 0.00009 and 0.00010; TOPMed 0.00020; 1000 Genomes Project 0.00060; 1000 Genomes Project 30x 0.00062; ExAC 0.00003.
gnomAD v4.1: 32 of 1,614,196 alleles (0.002%); highest among the groups gnomAD compares: Admixed American, 0.03%; no homozygotes.

Submissions (2):

Ambry Genetics
Classification: Uncertain significance. Last evaluated: 2025-08-21. Review status: criteria provided, single submitter. Criteria: Ambry Variant Classification Scheme 2023. Collection method: clinical testing. Allele origin: germline.

Labcorp Genetics (formerly Invitae), Labcorp
Classification: Uncertain significance for Candidiasis, familial, 8. Last evaluated: 2022-02-08. Review status: criteria provided, single submitter. Criteria: Invitae Variant Classification Sherloc (09022015). Collection method: clinical testing. Allele origin: germline.
Comment: This sequence change replaces glutamic acid, which is acidic and polar, with lysine, which is basic and polar, at codon 479 of the TRAF3IP2 protein (p.Glu479Lys). This variant is present in population databases (rs149504543, gnomAD 0.02%). This variant has not been reported in the literature in individuals affected with TRAF3IP2-related conditions. ClinVar contains an entry for this variant (Variation ID: 972376). Algorithms developed to predict the effect of missense changes on protein structure and function (SIFT, PolyPhen-2, Align-GVGD) all suggest that this variant is likely to be tolerated. In summary, the available evidence is currently insufficient to determine the role of this variant in disease. Therefore, it has been classified as a Variant of Uncertain Significance.

NM_147686.4(TRAF3IP2):c.1435G>A (p.Glu479Lys)

Genes: TRAF3IP2 (TRAF3 interacting protein 2; minus strand), TRAF3IP2-AS1 (TRAF3IP2 antisense RNA 1; plus strand). Cytogenetic location: 6q21.
Variant type: single nucleotide variant.
Coding change: c.1435G>A on transcript NM_147686.4 (MANE Select); coding-DNA position 1435, G replaced by A.
Protein change: p.Glu479Lys; replaces glutamic acid 479 with lysine.
Molecular consequence: missense variant.
Genome position (GRCh38, 1-based): chr6:111,566,485, C>T on the plus strand (G>A on the coding strand, the complement: TRAF3IP2 is on the minus strand). VCF-style: chr6-111566485-C-T. GRCh37 (hg19) VCF-style: chr6-111887688-C-T.
Other names: c.1432G>A, p.Glu478Lys (NM_001164281.3); c.67G>A, p.Glu23Lys (NM_001164283.3); c.1462G>A, p.Glu488Lys (NM_147200.3); c.1435G>A (NM_147686.2); short protein forms E23K, E478K, E479K, E488K.
Identifiers: ClinVar variation 972376 (VCV000972376.8), dbSNP rs149504543, ClinGen allele CA3963081.